The following is an entry in ClinVar:

ClinVar aggregate classification (germline): Uncertain significance. Review status: criteria provided, multiple submitters, no conflicts (2 of 4 stars). 3 submissions from 3 submitters: Uncertain significance (3). Last evaluated 2023-10-09.

Conditions:
Combined oxidative phosphorylation defect type 14. Also called: Combined oxidative phosphorylation deficiency 14. Identifiers: Orphanet 319519, MedGen C4755312, MONDO:0013986, OMIM 614946.
FARS2-related disorder. Also called: FARS2-related condition; FARS2-related disorders.

Submissions (3):

PreventionGenetics, part of Exact Sciences
Classification: Uncertain significance for FARS2-related condition. Last evaluated: 2023-10-09. Review status: criteria provided, single submitter. Criteria: ACMG Guidelines, 2015. Collection method: clinical testing. Allele origin: germline.
Comment: The FARS2 c.902C>T variant is predicted to result in the amino acid substitution p.Ser301Leu. To our knowledge, this variant has not been reported in the literature or in a large population database, indicating this variant is rare. At this time, the clinical significance of this variant is uncertain due to the absence of conclusive functional and genetic evidence.

Labcorp Genetics (formerly Invitae), Labcorp
Classification: Uncertain significance for Combined oxidative phosphorylation defect type 14. Last evaluated: 2022-09-27. Review status: criteria provided, single submitter. Criteria: Invitae Variant Classification Sherloc (09022015). Collection method: clinical testing. Allele origin: germline.
Comment: In summary, the available evidence is currently insufficient to determine the role of this variant in disease. Therefore, it has been classified as a Variant of Uncertain Significance. Algorithms developed to predict the effect of sequence changes on RNA splicing suggest that this variant may disrupt the consensus splice site. Algorithms developed to predict the effect of missense changes on protein structure and function (SIFT, PolyPhen-2, Align-GVGD) all suggest that this variant is likely to be tolerated. This variant has not been reported in the literature in individuals affected with FARS2-related conditions. This variant is not present in population databases (gnomAD no frequency). This sequence change replaces serine, which is neutral and polar, with leucine, which is neutral and non-polar, at codon 301 of the FARS2 protein (p.Ser301Leu).

Baylor Genetics
Classification: Uncertain significance for Combined oxidative phosphorylation defect type 14. Last evaluated: 2022-05-18. Review status: criteria provided, single submitter. Criteria: ACMG Guidelines, 2015. Collection method: clinical testing. Allele origin: unknown.

NM_006567.5(FARS2):c.902C>T (p.Ser301Leu)

Gene: FARS2 (phenylalanyl-tRNA synthetase 2, mitochondrial; plus strand). Cytogenetic location: 6p25.1.
Variant type: single nucleotide variant.
Coding change: c.902C>T on transcript NM_006567.5 (MANE Select); coding-DNA position 902, C replaced by T.
Protein change: p.Ser301Leu; replaces serine 301 with leucine.
Molecular consequence: missense variant. On other transcripts: intron variant (1).
Genome position (GRCh38, 1-based): chr6:5,431,170, C>T. VCF-style: chr6-5431170-C-T. GRCh37 (hg19) VCF-style: chr6-5431403-C-T.
Other names: c.902C>T, p.Ser301Leu (NM_001318872.2, NM_001374875.1, NM_001374876.1 and 4 more transcripts); c.206C>T, p.Ser69Leu (NM_001375259.1, NM_001375260.1); c.772+26469C>T (NM_001375258.1); c.902C>T (NM_006567.4); short protein forms S301L, S69L.
Identifiers: ClinVar variation 1951977 (VCV001951977.7), dbSNP rs2535237442, ClinGen allele CA362736328.
Genomic context (GRCh38, chr6:5,431,170, plus strand): 5'-TTCATGGAGAATGGCTGGAAGTTCTTGGCTGCGGGGTGATGGAACAACAACTGGTCAATT[C>T]AGGTAAAAAAGAATCCCACATTTTATTTACACGTGCTCTAAAGGAACCCTCCCTTCTCAG-3'
Protein context (NP_006558.1, residues 291-311): CGVMEQQLVN[Ser301Leu]AGAQDRIGWA